The following is an entry in ClinVar:

ClinVar aggregate classification (germline): Uncertain significance (1 of 4 stars; one submission).

Allele frequency attached by ClinVar (database versions not stated): gnomAD 0.00001; gnomAD exomes 0.00001; ExAC 0.00002; TOPMed 0.00002; ESP Exome Variant Server 0.00008.
gnomAD v4.1: 13 of 1,611,352 alleles (0.00081%); highest among the groups gnomAD compares: Middle Eastern, 0.02%; no homozygotes.

Submission:

Labcorp Genetics (formerly Invitae), Labcorp
Classification: Uncertain significance. Last evaluated: 2023-10-07. Review status: criteria provided, single submitter. Criteria: Invitae Variant Classification Sherloc (09022015). Collection method: clinical testing. Allele origin: germline.
Comment: This sequence change replaces valine, which is neutral and non-polar, with glycine, which is neutral and non-polar, at codon 513 of the C7 protein (p.Val513Gly). This variant is present in population databases (rs374673712, gnomAD 0.0009%). This variant has not been reported in the literature in individuals affected with C7-related conditions. Advanced modeling of protein sequence and biophysical properties (such as structural, functional, and spatial information, amino acid conservation, physicochemical variation, residue mobility, and thermodynamic stability) performed at Invitae indicates that this missense variant is not expected to disrupt C7 protein function. In summary, the available evidence is currently insufficient to determine the role of this variant in disease. Therefore, it has been classified as a Variant of Uncertain Significance.

NM_000587.4(C7):c.1538T>G (p.Val513Gly)

Gene: C7 (complement C7; plus strand). Cytogenetic location: 5p13.1.
Variant type: single nucleotide variant.
Coding change: c.1538T>G on transcript NM_000587.4 (MANE Select); coding-DNA position 1538, T replaced by G.
Protein change: p.Val513Gly; replaces valine 513 with glycine.
Molecular consequence: missense variant.
Genome position (GRCh38, 1-based): chr5:40,959,497, T>G. VCF-style: chr5-40959497-T-G. GRCh37 (hg19) VCF-style: chr5-40959599-T-G.
Other names: short protein forms V513G.
Identifiers: ClinVar variation 2971272 (VCV002971272.3), dbSNP rs374673712, ClinGen allele CA3250011.
Genomic context (GRCh38, chr5:40,959,497, plus strand): 5'-CTCATCTTGTAGGAGGGGTTGATGGAGGTTGGAGTTGCTGGTCCTCTTGGAGCCCCTGTG[T>G]CCAAGGGAAGAAAACAAGAAGCCGTGAATGCAATAACCCACCTCCCAGTGGGGGTGGGAG-3'
Protein context (NP_000578.2, residues 503-523): WSCWSSWSPC[Val513Gly]QGKKTRSREC